The following is an entry in ClinVar:

NM_032043.3(BRIP1):c.409A>G (p.Lys137Glu)

Gene: BRIP1 (BRCA1 interacting DNA helicase 1; minus strand). Cytogenetic location: 17q23.2.
Variant type: single nucleotide variant.
Coding change: c.409A>G on transcript NM_032043.3 (MANE Select); coding-DNA position 409, A replaced by G.
Protein change: p.Lys137Glu; replaces lysine 137 with glutamic acid.
Molecular consequence: missense variant.
Genome position (GRCh38, 1-based): chr17:61,849,227, T>C on the plus strand (A>G on the coding strand, the complement: BRIP1 is on the minus strand). VCF-style: chr17-61849227-T-C. GRCh37 (hg19) VCF-style: chr17-59926588-T-C.
Other names: short protein forms K137E.
Identifiers: ClinVar variation 241660 (VCV000241660.22), dbSNP rs878855157, ClinGen allele CA10583640.

ClinVar aggregate classification (germline): Uncertain significance. Review status: criteria provided, multiple submitters, no conflicts (2 of 4 stars). 6 submissions from 6 submitters: Uncertain significance (5). 1 of the submissions does not count toward it. Last evaluated 2025-11-27.

Conditions:
Hereditary cancer-predisposing syndrome. Also called: Hereditary Cancer Syndrome; Tumor predisposition; Hereditary neoplastic syndrome; Neoplastic Syndromes, Hereditary. Identifiers: Orphanet 140162, MedGen C0027672, MeSH D009386, MONDO:0015356.
Familial cancer of breast. Also called: Hereditary breast cancer; hereditary breast carcinoma; BREAST CANCER, FAMILIAL. Identifiers: Orphanet 227535, MedGen C0346153, MONDO:0016419, OMIM 114480. Disease mechanism: loss of function.
Fanconi anemia complementation group J. Also called: BRIP1-Related Fanconi Anemia. Identifiers: Orphanet 84, MedGen C1836860, MONDO:0012187, OMIM 609054.

Allele frequency attached by ClinVar (database versions not stated): gnomAD exomes below 0.00001; TOPMed 0.00001.
gnomAD v4.1: 3 of 1,613,210 alleles (0.00019%); highest among the groups gnomAD compares: South Asian, 0.0011%; no homozygotes.

Submissions (6):

Labcorp Genetics (formerly Invitae), Labcorp
Classification: Uncertain significance for Familial cancer of breast; Fanconi anemia complementation group J. Last evaluated: 2025-11-27. Review status: criteria provided, single submitter. Criteria: Invitae Variant Classification Sherloc (09022015). Collection method: clinical testing. Allele origin: germline.
Comment: This sequence change replaces lysine, which is basic and polar, with glutamic acid, which is acidic and polar, at codon 137 of the BRIP1 protein (p.Lys137Glu). This variant is not present in population databases (gnomAD no frequency). This variant has not been reported in the literature in individuals affected with BRIP1-related conditions. ClinVar contains an entry for this variant (Variation ID: 241660). Invitae Evidence Modeling of protein sequence and biophysical properties (such as structural, functional, and spatial information, amino acid conservation, physicochemical variation, residue mobility, and thermodynamic stability) indicates that this missense variant is not expected to disrupt BRIP1 protein function with a negative predictive value of 95%. Studies have shown that this missense change is associated with inconclusive levels of altered splicing (internal data). In summary, the available evidence is currently insufficient to determine the role of this variant in disease. Therefore, it has been classified as a Variant of Uncertain Significance.

Ambry Genetics
Classification: Uncertain significance for Hereditary cancer-predisposing syndrome. Last evaluated: 2024-04-02. Review status: criteria provided, single submitter. Criteria: Ambry Variant Classification Scheme 2023. Collection method: clinical testing. Allele origin: germline.
Comment: The p.K137E variant (also known as c.409A>G), located in coding exon 4 of the BRIP1 gene, results from an A to G substitution at nucleotide position 409. The lysine at codon 137 is replaced by glutamic acid, an amino acid with similar properties. This alteration has been reported with a carrier frequency of 0.00000 in 7636 unselected prostate cancer patients and 0.00016 in 12366 male controls of Japanese ancestry (Momozawa Y et al. J Natl Cancer Inst, 2020 04;112:369-376). This alteration was also identified in a cohort of patients diagnosed with biliary tract carcinoma undergoing multigene panel testing for hereditary cancer risk (Terashima T et al. Oncotarget, 2019 Oct;10:5949-5957). This amino acid position is highly conserved in available vertebrate species. In addition, this alteration is predicted to be tolerated by in silico analysis. Since supporting evidence is limited at this time, the clinical significance of this alteration remains unclear.

GeneDx
Classification: Uncertain significance. Last evaluated: 2023-11-28. Review status: criteria provided, single submitter. Criteria: GeneDx Variant Classification Process June 2021. Collection method: clinical testing. Allele origin: germline. Affected: yes.
Comment: Not observed at significant frequency in large population cohorts (gnomAD); In silico analysis supports that this missense variant does not alter protein structure/function; This variant is associated with the following publications: (PMID: 31214711, 36243179, 31666926)

Blueprint Genetics
Classification: Uncertain significance. Last evaluated: 2020-01-23. Review status: criteria provided, single submitter. Criteria: ACMG Guidelines, 2015. Collection method: clinical testing. Allele origin: germline.

Color Diagnostics, LLC DBA Color Health
Classification: Uncertain significance for Hereditary cancer-predisposing syndrome. Last evaluated: 2019-02-13. Review status: criteria provided, single submitter. Criteria: ACMG Guidelines, 2015. Collection method: clinical testing. Allele origin: germline.

Leiden Open Variation Database
Classification: Uncertain significance. Last evaluated: 2019-08-13. Review status: no assertion criteria provided. Collection method: curation. Allele origin: germline. Affected: yes. Not counted in ClinVar's aggregate classification.
Comment: Curator: Arleen D. Auerbach. Submitter to LOVD: Yukihide Momozawa.

Literature cited by the submitters: PubMed 31214711 (cited by Ambry Genetics and Leiden Open Variation Database); PubMed 31666926 (cited by Ambry Genetics).